The following is an entry in ClinVar:

ClinVar aggregate classification (germline): Uncertain significance (1 of 4 stars; one submission).

Conditions:
Ehlers-Danlos syndrome, classic type, 1 (EDSCL1). Also called: EHLERS-DANLOS SYNDROME, GRAVIS TYPE; EHLERS-DANLOS SYNDROME, SEVERE CLASSIC TYPE; Ehlers-Danlos syndrome, type 1; EDS I; Ehlers-Danlos Syndrome, Classic Type, COL5A1-Related. Identifiers: MedGen C0268335, MONDO:0019567, OMIM 130000.

Allele frequency attached by ClinVar (database versions not stated): gnomAD exomes 0.00001; ExAC 0.00002.
gnomAD v4.1: 6 of 1,613,928 alleles (0.00037%); highest among the groups gnomAD compares: Admixed American, 0.01%; no homozygotes.

Submission:

Labcorp Genetics (formerly Invitae), Labcorp
Classification: Uncertain significance for Ehlers-Danlos syndrome, classic type, 1. Last evaluated: 2025-09-26. Review status: criteria provided, single submitter. Criteria: Invitae Variant Classification Sherloc (09022015). Collection method: clinical testing. Allele origin: germline.
Comment: This sequence change falls in intron 17 of the COL5A1 gene. It does not directly change the encoded amino acid sequence of the COL5A1 protein. It affects a nucleotide within the consensus splice site. This variant is present in population databases (rs756160378, gnomAD 0.01%). This variant has not been reported in the literature in individuals affected with COL5A1-related conditions. ClinVar contains an entry for this variant (Variation ID: 2077134). Variants that disrupt the consensus splice site are a relatively common cause of aberrant splicing (PMID: 17576681, 9536098). Algorithms developed to predict the effect of sequence changes on RNA splicing suggest that this variant is not likely to affect RNA splicing. In summary, the available evidence is currently insufficient to determine the role of this variant in disease. Therefore, it has been classified as a Variant of Uncertain Significance.

Literature cited by the submitters: PubMed 17576681; PubMed 9536098.

NM_000093.5(COL5A1):c.1881+4G>A

Gene: COL5A1 (collagen type V alpha 1 chain; plus strand). Cytogenetic location: 9q34.3.
Variant type: single nucleotide variant.
Coding change: c.1881+4G>A on transcript NM_000093.5 (MANE Select); 4 bases into the intron after coding-DNA position 1881, G replaced by A.
Molecular consequence: intron variant.
Genome position (GRCh38, 1-based): chr9:134,756,822, G>A. VCF-style: chr9-134756822-G-A. GRCh37 (hg19) VCF-style: chr9-137648668-G-A.
Other names: c.1881+4G>A (NM_001278074.1).
Identifiers: ClinVar variation 2077134 (VCV002077134.4), dbSNP rs756160378, ClinGen allele CA5319009.